The following is an entry in ClinVar:

ClinVar aggregate classification (germline): Uncertain significance. Review status: criteria provided, multiple submitters, no conflicts (2 of 4 stars). 2 submissions from 2 submitters: Uncertain significance (2). Last evaluated 2025-04-07.

Conditions:
Familial hypocalciuric hypercalcemia (FHH). Also called: Familial benign hypercalcemia. Identifiers: Orphanet 405, MedGen C1809471, MONDO:0018458.
Autosomal dominant hypocalcemia 1 (HYPOC1). Also called: HYPOCALCEMIA, FAMILIAL. Identifiers: MedGen C3715128, MONDO:0011013, OMIM 601198.
Nephrolithiasis/nephrocalcinosis. Identifiers: MedGen CN580796.

Submissions (2):

Labcorp Genetics (formerly Invitae), Labcorp
Classification: Uncertain significance for Familial hypocalciuric hypercalcemia; Autosomal dominant hypocalcemia 1. Last evaluated: 2025-04-07. Review status: criteria provided, single submitter. Criteria: Invitae Variant Classification Sherloc (09022015). Collection method: clinical testing. Allele origin: germline.
Comment: This sequence change replaces tyrosine, which is neutral and polar, with histidine, which is basic and polar, at codon 4 of the CASR protein (p.Tyr4His). This variant is not present in population databases (gnomAD no frequency). This variant has not been reported in the literature in individuals affected with CASR-related conditions. ClinVar contains an entry for this variant (Variation ID: 583113). An algorithm developed to predict the effect of missense changes on protein structure and function outputs the following: PolyPhen-2: "Benign". The histidine amino acid residue is found in multiple mammalian species, which suggests that this missense change does not adversely affect protein function. In summary, the available evidence is currently insufficient to determine the role of this variant in disease. Therefore, it has been classified as a Variant of Uncertain Significance.

Ambry Genetics
Classification: Uncertain significance for Nephrolithiasis/nephrocalcinosis. Last evaluated: 2024-01-09. Review status: criteria provided, single submitter. Criteria: Ambry Variant Classification Scheme 2023. Collection method: clinical testing. Allele origin: germline.
Comment: The p.Y4H variant (also known as c.10T>C), located in coding exon 1 of the CASR gene, results from a T to C substitution at nucleotide position 10. The tyrosine at codon 4 is replaced by histidine, an amino acid with similar properties. This amino acid position is conserved. In addition, this alteration is predicted to be tolerated by in silico analysis. Since supporting evidence is limited at this time, the clinical significance of this alteration remains unclear.

NM_000388.4(CASR):c.10T>C (p.Tyr4His)

Gene: CASR (calcium sensing receptor; plus strand). Cytogenetic location: 3q21.1.
Variant type: single nucleotide variant.
Coding change: c.10T>C on transcript NM_000388.4 (MANE Select); coding-DNA position 10, T replaced by C.
Protein change: p.Tyr4His; replaces tyrosine 4 with histidine.
Molecular consequence: missense variant.
Genome position (GRCh38, 1-based): chr3:122,254,199, T>C. VCF-style: chr3-122254199-T-C. GRCh37 (hg19) VCF-style: chr3-121973046-T-C.
Other names: c.10T>C, p.Tyr4His (NM_001178065.2); short protein forms Y4H.
Identifiers: ClinVar variation 583113 (VCV000583113.12), dbSNP rs1559955224, ClinGen allele CA354361932.